The following is an entry in ClinVar:

ClinVar aggregate classification (germline): Uncertain significance (0 of 4 stars; one submission).

Conditions:
DPP6-related disorder. Also called: DPP6-related condition.

Submission:

PreventionGenetics, part of Exact Sciences
Classification: Uncertain significance for DPP6-related condition. Last evaluated: 2024-06-24. Review status: no assertion criteria provided. Collection method: clinical testing. Allele origin: germline.
Comment: The DPP6 c.787delG variant is predicted to result in a frameshift and premature protein termination (p.Ala263Glnfs*76). Of note, using a different transcript (NM_001936.4), this variant is a deep intronic variant (c.442-50012delG) that is not predicted to alter splicing based on available splicing prediction programs (SpliceAI, Jaganathan et al. 2019. PubMed ID: 30661751). To our knowledge, this variant has not been reported in the literature or in a large population database, indicating this variant is rare. At this time, the clinical significance of this variant is uncertain due to the absence of conclusive functional and genetic evidence.

NM_130797.4(DPP6):c.627+20893del

Gene: DPP6 (dipeptidyl peptidase like 6; plus strand). Cytogenetic location: 7q36.2.
Variant type: Deletion.
Coding change: c.627+20893del on transcript NM_130797.4 (MANE Select); 20893 bases into the intron after coding-DNA position 627, one base deleted (G; older notation c.627+20893delG).
Molecular consequence: intron variant. On other transcripts: frameshift variant (1), 3 prime UTR variant (1).
Genome position (GRCh38, 1-based): chr7:154,587,809, G deleted; the last of 2 consecutive G bases (chr7:154,587,808-154,587,809); deleting either gives the same sequence. VCF-style (leftmost placement, unchanged base first): chr7-154587807-CG-C. GRCh37 (hg19) VCF-style: chr7-154379517-CG-C.
Other names: c.787del, p.Ala263fs (NM_001290253.2); c.*635del (NM_001364502.2); c.444+20893del (NM_001364500.2, NM_001364499.2, NM_001364497.2 and 1 more transcripts); c.435+20893del (NM_001364501.2, NM_001039350.3); c.441+20893del (NM_001936.5, NM_001290252.2); short protein forms A263fs.
Identifiers: ClinVar variation 3356743 (VCV003356743.1).
Genomic context (GRCh38, chr7:154,587,807, plus strand): 5'-GCTGTTTTCTTCATTACATCACCATGTCTCTTCCTCTTCACTGCCTGCGTGACTATGTCT[CG>C]GCAGTCAATGGATACAGCACAGCATTGCCAGCTTGCCATGTACAAGGGGGACCTGTTTCA-3'